The following is an entry in ClinVar:

ClinVar aggregate classification (germline): Likely benign. Review status: criteria provided, multiple submitters, no conflicts (2 of 4 stars). 2 submissions from 2 submitters: Likely benign (2). Last evaluated 2026-08-01.

Conditions:
Nephronophthisis 14 (NPHP14). Identifiers: Orphanet 2318, MedGen C3539071, MONDO:0013916, OMIM 614844.

Allele frequency attached by ClinVar (database versions not stated): gnomAD exomes below 0.00001; gnomAD 0.00001.
gnomAD v4.1: 2 of 1,613,668 alleles (0.00012%); highest among the groups gnomAD compares: African/African-American, 0.0013%; no homozygotes.

Submissions (2):

CeGaT Center for Human Genetics Tuebingen
Classification: Likely benign. Last evaluated: 2026-08-01. Review status: criteria provided, single submitter. Criteria: CeGaT Center For Human Genetics Tuebingen Variant Classification Criteria Version 2. Collection method: clinical testing. Allele origin: germline. Affected: yes. Observed: 1 variant allele.
Comment: ZNF423: BP4, BP7

Labcorp Genetics (formerly Invitae), Labcorp
Classification: Likely benign for Nephronophthisis 14. Last evaluated: 2025-09-10. Review status: criteria provided, single submitter. Criteria: Invitae Variant Classification Sherloc (09022015). Collection method: clinical testing. Allele origin: germline.

NM_001379286.1(ZNF423):c.2124A>G (p.Gln708=)

Gene: ZNF423 (zinc finger protein 423; minus strand). Cytogenetic location: 16q12.1.
Variant type: single nucleotide variant.
Coding change: c.2124A>G on transcript NM_001379286.1 (MANE Select); coding-DNA position 2124, A replaced by G.
Protein change: p.Gln708=; no amino-acid change (glutamine 708 retained).
Molecular consequence: synonymous variant.
Genome position (GRCh38, 1-based): chr16:49,637,052, T>C on the plus strand (A>G on the coding strand, the complement: ZNF423 is on the minus strand). VCF-style: chr16-49637052-T-C. GRCh37 (hg19) VCF-style: chr16-49670963-T-C.
Other names: c.1920A>G, p.Gln640= (NM_001271620.2); c.1749A>G, p.Gln583= (NM_001330533.2); c.2100A>G, p.Gln700= (NM_015069.5).
Identifiers: ClinVar variation 1532753 (VCV001532753.9), dbSNP rs906436103, ClinGen allele CA281212056.